The following is an entry in ClinVar:

ClinVar aggregate classification (germline): Uncertain significance (1 of 4 stars; one submission).

Conditions:
Left ventricular noncompaction 8 (LVNC8). Identifiers: Orphanet 154, Orphanet 54260, MedGen C3809288, MONDO:0014152, OMIM 615373.

gnomAD v4.1: 7 of 1,613,776 alleles (0.00043%); highest among the groups gnomAD compares: Non-Finnish European, 0.00059%; no homozygotes.

Submission:

Labcorp Genetics (formerly Invitae), Labcorp
Classification: Uncertain significance for Left ventricular noncompaction 8. Last evaluated: 2025-05-17. Review status: criteria provided, single submitter. Criteria: Invitae Variant Classification Sherloc (09022015). Collection method: clinical testing. Allele origin: germline.
Comment: This sequence change replaces methionine, which is neutral and non-polar, with arginine, which is basic and polar, at codon 468 of the PRDM16 protein (p.Met468Arg). This variant is present in population databases (no rsID available, gnomAD 0.007%). This variant has not been reported in the literature in individuals affected with PRDM16-related conditions. An algorithm developed to predict the effect of missense changes on protein structure and function (PolyPhen-2) suggests that this variant is likely to be tolerated. In summary, the available evidence is currently insufficient to determine the role of this variant in disease. Therefore, it has been classified as a Variant of Uncertain Significance.

NM_022114.4(PRDM16):c.1403T>G (p.Met468Arg)

Gene: PRDM16 (PR/SET domain 16; plus strand). Cytogenetic location: 1p36.32.
Variant type: single nucleotide variant.
Coding change: c.1403T>G on transcript NM_022114.4 (MANE Select); coding-DNA position 1403, T replaced by G.
Protein change: p.Met468Arg; replaces methionine 468 with arginine.
Molecular consequence: missense variant.
Genome position (GRCh38, 1-based): chr1:3,411,600, T>G. VCF-style: chr1-3411600-T-G. GRCh37 (hg19) VCF-style: chr1-3328164-T-G.
Other names: c.1403T>G, p.Met468Arg (NM_199454.3); short protein forms M468R.
Identifiers: ClinVar variation 4747961 (VCV004747961.1).